The following is an entry in ClinVar:

ClinVar aggregate classification (germline): Uncertain significance. Review status: criteria provided, multiple submitters, no conflicts (2 of 4 stars). 2 submissions from 2 submitters: Uncertain significance (2). Last evaluated 2025-01-01.

Conditions:
Developmental and epileptic encephalopathy, 23 (DEE23). Also called: Epileptic encephalopathy, early infantile, 23. Identifiers: Orphanet 411986, MedGen C4014492, MONDO:0014371, OMIM 615859.
Inborn genetic diseases. Identifiers: MedGen C0950123, MeSH D030342.

Allele frequency attached by ClinVar (database versions not stated): gnomAD exomes below 0.00001; TOPMed below 0.00001; ExAC 0.00001; gnomAD 0.00001.
gnomAD v4.1: 2 of 1,613,524 alleles (0.00012%); highest among the groups gnomAD compares: Non-Finnish European, 0.00017%; no homozygotes.

Submissions (2):

Ambry Genetics
Classification: Uncertain significance for Inborn genetic diseases. Last evaluated: 2025-01-01. Review status: criteria provided, single submitter. Criteria: Ambry Variant Classification Scheme 2023. Collection method: clinical testing. Allele origin: germline.

Labcorp Genetics (formerly Invitae), Labcorp
Classification: Uncertain significance for Developmental and epileptic encephalopathy, 23. Last evaluated: 2021-08-04. Review status: criteria provided, single submitter. Criteria: Invitae Variant Classification Sherloc (09022015). Collection method: clinical testing. Allele origin: germline.
Comment: This variant is present in population databases (rs764777360, ExAC 0.002%). This sequence change replaces lysine with glutamic acid at codon 1373 of the DOCK7 protein (p.Lys1373Glu). The lysine residue is highly conserved and there is a small physicochemical difference between lysine and glutamic acid. In summary, the available evidence is currently insufficient to determine the role of this variant in disease. Therefore, it has been classified as a Variant of Uncertain Significance. Algorithms developed to predict the effect of missense changes on protein structure and function are either unavailable or do not agree on the potential impact of this missense change (SIFT: "Deleterious"; PolyPhen-2: "Probably Damaging"; Align-GVGD: "Class C0"). This variant has not been reported in the literature in individuals with DOCK7-related conditions.

NM_001367561.1(DOCK7):c.4117A>G (p.Lys1373Glu)

Gene: DOCK7 (dedicator of cytokinesis 7; minus strand). Cytogenetic location: 1p31.3.
Variant type: single nucleotide variant.
Coding change: c.4117A>G on transcript NM_001367561.1 (MANE Select); coding-DNA position 4117, A replaced by G.
Protein change: p.Lys1373Glu; replaces lysine 1373 with glutamic acid.
Molecular consequence: missense variant.
Genome position (GRCh38, 1-based): chr1:62,513,718, T>C on the plus strand (A>G on the coding strand, the complement: DOCK7 is on the minus strand). VCF-style: chr1-62513718-T-C. GRCh37 (hg19) VCF-style: chr1-62979389-T-C.
Other names: c.4024A>G (NM_033407.2); c.4117A>G, p.Lys1373Glu (NM_001271999.2, NM_001330614.2); c.4024A>G, p.Lys1342Glu (NM_001272000.2, NM_001272001.2, NM_033407.4); short protein forms K1342E, K1373E.
Identifiers: ClinVar variation 840527 (VCV000840527.10), dbSNP rs764777360, ClinGen allele CA885801.